The following is an entry in ClinVar:

NM_000260.4(MYO7A):c.272A>C (p.Asp91Ala)

Gene: MYO7A (myosin VIIA; plus strand). Cytogenetic location: 11q13.5.
Variant type: single nucleotide variant.
Coding change: c.272A>C on transcript NM_000260.4 (MANE Select); coding-DNA position 272, A replaced by C.
Protein change: p.Asp91Ala; replaces aspartic acid 91 with alanine.
Molecular consequence: missense variant.
Genome position (GRCh38, 1-based): chr11:77,147,937, A>C. VCF-style: chr11-77147937-A-C. GRCh37 (hg19) VCF-style: chr11-76858983-A-C.
Other names: c.272A>C, p.Asp91Ala (NM_001127180.2); c.239A>C, p.Asp80Ala (NM_001369365.1); short protein forms D80A, D91A.
Identifiers: ClinVar variation 3368801 (VCV003368801.1).

ClinVar aggregate classification (germline): Uncertain significance (1 of 4 stars; one submission).

Submission:

GeneDx
Classification: Uncertain significance. Last evaluated: 2024-02-04. Review status: criteria provided, single submitter. Criteria: GeneDx Variant Classification Process June 2021. Collection method: clinical testing. Allele origin: germline. Affected: yes.
Comment: Not observed at significant frequency in large population cohorts (gnomAD); In silico analysis supports that this missense variant has a deleterious effect on protein structure/function; Has not been previously published as pathogenic or benign to our knowledge